The following is an entry in ClinVar:

ClinVar aggregate classification (germline): Pathogenic (1 of 4 stars; one submission).

Submission:

Labcorp Genetics (formerly Invitae), Labcorp
Classification: Pathogenic. Last evaluated: 2024-05-20. Review status: criteria provided, single submitter. Criteria: Invitae Variant Classification Sherloc (09022015). Collection method: clinical testing. Allele origin: germline.
Comment: This sequence change creates a premature translational stop signal (p.Ser402*) in the PRPF31 gene. It is expected to result in an absent or disrupted protein product. Loss-of-function variants in PRPF31 are known to be pathogenic (PMID: 18317597, 23950152). This variant is not present in population databases (gnomAD no frequency). This premature translational stop signal has been observed in individual(s) with retinitis pigmentosa (PMID: 33576794). ClinVar contains an entry for this variant (Variation ID: 2419172). For these reasons, this variant has been classified as Pathogenic.

Literature cited by the submitters: PubMed 18317597; PubMed 23950152; PubMed 33576794.

NM_015629.4(PRPF31):c.1205C>A (p.Ser402Ter)

Gene: PRPF31 (pre-mRNA processing factor 31; plus strand). Cytogenetic location: 19q13.42.
Variant type: single nucleotide variant.
Coding change: c.1205C>A on transcript NM_015629.4 (MANE Select); coding-DNA position 1205, C replaced by A.
Protein change: p.Ser402Ter; replaces serine 402 with a stop codon.
Molecular consequence: nonsense.
Genome position (GRCh38, 1-based): chr19:54,129,115, C>A. VCF-style: chr19-54129115-C-A. GRCh37 (hg19) VCF-style: chr19-54632490-C-A.
Other names: short protein forms S402*.
Identifiers: ClinVar variation 2419172 (VCV002419172.7), dbSNP rs1406386099, ClinGen allele CA407754625.